The following is an entry in ClinVar:

NM_032228.6(FAR1):c.1082C>T (p.Ala361Val)

Gene: FAR1 (fatty acyl-CoA reductase 1; plus strand). Cytogenetic location: 11p15.3.
Variant type: single nucleotide variant.
Coding change: c.1082C>T on transcript NM_032228.6 (MANE Select); coding-DNA position 1082, C replaced by T.
Protein change: p.Ala361Val; replaces alanine 361 with valine.
Molecular consequence: missense variant.
Genome position (GRCh38, 1-based): chr11:13,714,635, C>T. VCF-style: chr11-13714635-C-T. GRCh37 (hg19) VCF-style: chr11-13736182-C-T.
Other names: c.1082C>T (NM_032228.5); short protein forms A361V.
Identifiers: ClinVar variation 1721819 (VCV001721819.6), dbSNP rs2500139848, ClinGen allele CA379858507.
Genomic context (GRCh38, chr11:13,714,635, plus strand): 5'-ATCTAACCTCCAATCATCTTTTATATCATTACTGGATTGCTGTAAGCCATAAGGCCCCAG[C>T]ATTCCTGTATGATATCTACCTCAGGATGACTGGAAGAAGCCCAAGGTAATGGTGACTAGC-3'
Protein context (NP_115604.1, residues 351-371): YWIAVSHKAP[Ala361Val]FLYDIYLRMT

ClinVar aggregate classification (germline): Uncertain significance. Review status: criteria provided, multiple submitters, no conflicts (2 of 4 stars). 2 submissions from 2 submitters: Uncertain significance (2). Last evaluated 2023-02-10.

Submissions (2):

GeneDx
Classification: Uncertain significance. Last evaluated: 2023-02-10. Review status: criteria provided, single submitter. Criteria: GeneDx Variant Classification Process June 2021. Collection method: clinical testing. Allele origin: germline. Affected: yes.
Comment: Not observed at significant frequency in large population cohorts (gnomAD); In silico analysis supports that this missense variant has a deleterious effect on protein structure/function; Has not been previously published as pathogenic or benign to our knowledge

Labcorp Genetics (formerly Invitae), Labcorp
Classification: Uncertain significance. Last evaluated: 2022-10-18. Review status: criteria provided, single submitter. Criteria: Invitae Variant Classification Sherloc (09022015). Collection method: clinical testing. Allele origin: germline.
Comment: This sequence change replaces alanine, which is neutral and non-polar, with valine, which is neutral and non-polar, at codon 361 of the FAR1 protein (p.Ala361Val). This variant is not present in population databases (gnomAD no frequency). This variant has not been reported in the literature in individuals affected with FAR1-related conditions. Advanced modeling of protein sequence and biophysical properties (such as structural, functional, and spatial information, amino acid conservation, physicochemical variation, residue mobility, and thermodynamic stability) performed at Invitae indicates that this missense variant is not expected to disrupt FAR1 protein function. In summary, the available evidence is currently insufficient to determine the role of this variant in disease. Therefore, it has been classified as a Variant of Uncertain Significance.